The following is an entry in ClinVar:

NM_001282116.2(RFX3):c.363C>T (p.Gly121=)

Gene: RFX3 (regulatory factor X3; minus strand). Cytogenetic location: 9p24.2.
Variant type: single nucleotide variant.
Coding change: c.363C>T on transcript NM_001282116.2 (MANE Select); coding-DNA position 363, C replaced by T.
Protein change: p.Gly121=; no amino-acid change (glycine 121 retained).
Molecular consequence: synonymous variant.
Genome position (GRCh38, 1-based): chr9:3,330,370, G>A on the plus strand (C>T on the coding strand, the complement: RFX3 is on the minus strand). VCF-style: chr9-3330370-G-A. GRCh37 (hg19) VCF-style: chr9-3330370-G-A.
Other names: c.363C>T, p.Gly121= (NM_001282117.2, NM_001377999.1, NM_002919.4 and 1 more transcripts).
Identifiers: ClinVar variation 4981098 (VCV004981098.1).

ClinVar aggregate classification (germline): Likely benign (1 of 4 stars; one submission).

Conditions:
RFX3-related disorder. Also called: RFX3-related condition.

gnomAD v4.1: 555 of 1,614,100 alleles (0.034%); highest among the groups gnomAD compares: Admixed American, 0.078%; no homozygotes.

Submission:

PreventionGenetics, part of Exact Sciences
Classification: Likely benign for RFX3-related condition. Last evaluated: 2026-01-13. Review status: criteria provided, single submitter. Criteria: ACMG Guidelines, 2015. Collection method: clinical testing. Allele origin: germline.
Comment: This variant is classified as likely benign based on ACMG/AMP sequence variant interpretation guidelines (Richards et al. 2015 PMID: 25741868, with internal and published modifications).